The following is an entry in ClinVar:

ClinVar aggregate classification (germline): Uncertain significance. Review status: criteria provided, multiple submitters, no conflicts (2 of 4 stars). 3 submissions from 3 submitters: Uncertain significance (3). Last evaluated 2024-08-08.

Conditions:
Inborn genetic diseases. Identifiers: MedGen C0950123, MeSH D030342.

Allele frequency attached by ClinVar (database versions not stated): ExAC 0.00003; gnomAD exomes 0.00003; TOPMed 0.00003; gnomAD 0.00005; ESP Exome Variant Server 0.00008.
gnomAD v4.1: 56 of 1,613,938 alleles (0.0035%); highest among the groups gnomAD compares: East Asian, 0.0045%; no homozygotes.

Submissions (3):

Blueprint Genetics
Classification: Uncertain significance. Last evaluated: 2024-08-08. Review status: criteria provided, single submitter. Criteria: ACMG Guidelines, 2015. Collection method: clinical testing. Allele origin: germline.

Ambry Genetics
Classification: Uncertain significance for Inborn genetic diseases. Last evaluated: 2023-09-22. Review status: criteria provided, single submitter. Criteria: Ambry Variant Classification Scheme 2023. Collection method: clinical testing. Allele origin: germline.

Labcorp Genetics (formerly Invitae), Labcorp
Classification: Uncertain significance. Last evaluated: 2022-07-15. Review status: criteria provided, single submitter. Criteria: Invitae Variant Classification Sherloc (09022015). Collection method: clinical testing. Allele origin: germline.
Comment: This sequence change replaces proline, which is neutral and non-polar, with serine, which is neutral and polar, at codon 34 of the ACAD9 protein (p.Pro34Ser). This variant is present in population databases (rs376651813, gnomAD 0.01%). This variant has not been reported in the literature in individuals affected with ACAD9-related conditions. Advanced modeling of protein sequence and biophysical properties (such as structural, functional, and spatial information, amino acid conservation, physicochemical variation, residue mobility, and thermodynamic stability) performed at Invitae indicates that this missense variant is not expected to disrupt ACAD9 protein function. In summary, the available evidence is currently insufficient to determine the role of this variant in disease. Therefore, it has been classified as a Variant of Uncertain Significance.

NM_014049.5(ACAD9):c.100C>T (p.Pro34Ser)

Gene: ACAD9 (acyl-CoA dehydrogenase family member 9; plus strand). Cytogenetic location: 3q21.3.
Variant type: single nucleotide variant.
Coding change: c.100C>T on transcript NM_014049.5 (MANE Select); coding-DNA position 100, C replaced by T.
Protein change: p.Pro34Ser; replaces proline 34 with serine.
Molecular consequence: missense variant. On other transcripts: non-coding transcript variant (1).
Genome position (GRCh38, 1-based): chr3:128,879,791, C>T. VCF-style: chr3-128879791-C-T. GRCh37 (hg19) VCF-style: chr3-128598634-C-T.
Other names: c.-176C>T (NM_001410805.1); c.100C>T (NM_014049.4); short protein forms P34S.
Identifiers: ClinVar variation 2200106 (VCV002200106.3), dbSNP rs376651813, ClinGen allele CA2601021.
Genomic context (GRCh38, chr3:128,879,791, plus strand): 5'-GCTCGTGCCTGCCGGGGTCTGGTGGTCTCTACCGCGAACCGGCGGCTACTGCGCACCAGC[C>T]CGCCTGTACGAGCTTTCGCCAAAGAGCTTTTCCTAGGCAAAATCAAGAAGGTAACGCGAG-3'
Protein context (NP_054768.2, residues 24-44): TANRRLLRTS[Pro34Ser]PVRAFAKELF